The following is an entry in ClinVar:

ClinVar aggregate classification (germline): Uncertain significance (1 of 4 stars; one submission).

gnomAD v4.1: 1 of 1,590,916 alleles (0.000063%); highest among the groups gnomAD compares: Non-Finnish European, 0.000086%; no homozygotes.

Submission:

Labcorp Genetics (formerly Invitae), Labcorp
Classification: Uncertain significance. Last evaluated: 2024-12-13. Review status: criteria provided, single submitter. Criteria: Invitae Variant Classification Sherloc (09022015). Collection method: clinical testing. Allele origin: germline.
Comment: This sequence change replaces glutamic acid, which is acidic and polar, with lysine, which is basic and polar, at codon 5 of the MOCS3 protein (p.Glu5Lys). This variant is not present in population databases (gnomAD no frequency). This variant has not been reported in the literature in individuals affected with MOCS3-related conditions. An algorithm developed to predict the effect of missense changes on protein structure and function (PolyPhen-2) suggests that this variant is likely to be tolerated. In summary, the available evidence is currently insufficient to determine the role of this variant in disease. Therefore, it has been classified as a Variant of Uncertain Significance.

NM_014484.5(MOCS3):c.13G>A (p.Glu5Lys)

Gene: MOCS3 (molybdenum cofactor synthesis 3; plus strand). Cytogenetic location: 20q13.13.
Variant type: single nucleotide variant.
Coding change: c.13G>A on transcript NM_014484.5 (MANE Select); coding-DNA position 13, G replaced by A.
Protein change: p.Glu5Lys; replaces glutamic acid 5 with lysine.
Molecular consequence: missense variant.
Genome position (GRCh38, 1-based): chr20:50,958,855, G>A. VCF-style: chr20-50958855-G-A. GRCh37 (hg19) VCF-style: chr20-49575392-G-A.
Other names: short protein forms E5K.
Identifiers: ClinVar variation 3698320 (VCV003698320.2).